The following is an entry in ClinVar:

NM_001009944.3(PKD1):c.3161+2T>G

Gene: PKD1 (polycystin 1, transient receptor potential channel interacting; minus strand). Cytogenetic location: 16p13.3.
Variant type: single nucleotide variant.
Coding change: c.3161+2T>G on transcript NM_001009944.3 (MANE Select); the canonical splice donor site of the intron after coding-DNA position 3161, T replaced by G.
Molecular consequence: splice donor variant.
Genome position (GRCh38, 1-based): chr16:2,112,786, A>C on the plus strand (T>G on the coding strand, the complement: PKD1 is on the minus strand). VCF-style: chr16-2112786-A-C. GRCh37 (hg19) VCF-style: chr16-2162787-A-C.
Other names: c.3161+2T>G (NM_000296.4).
Identifiers: ClinVar variation 4887866 (VCV004887866.1).

ClinVar aggregate classification (germline): Pathogenic (1 of 4 stars; one submission).

Submission:

GeneDx
Classification: Pathogenic. Last evaluated: 2026-01-22. Review status: criteria provided, single submitter. Criteria: GeneDx Variant Classification Process June 2021. Collection method: clinical testing. Allele origin: germline.
Comment: Canonical splice site variant predicted to result in a null allele in a gene for which loss of function is a known mechanism of disease; Not observed at significant frequency in large population cohorts (gnomAD); This variant is associated with the following publications: (PMID: 27835667)